The following is an entry in ClinVar:

NM_017849.4(TMEM127):c.167T>C (p.Ile56Thr)

Gene: TMEM127 (transmembrane protein 127; minus strand). Cytogenetic location: 2q11.2.
Variant type: single nucleotide variant.
Coding change: c.167T>C on transcript NM_017849.4 (MANE Select); coding-DNA position 167, T replaced by C.
Protein change: p.Ile56Thr; replaces isoleucine 56 with threonine.
Molecular consequence: missense variant.
Genome position (GRCh38, 1-based): chr2:96,265,215, A>G on the plus strand (T>C on the coding strand, the complement: TMEM127 is on the minus strand). VCF-style: chr2-96265215-A-G. GRCh37 (hg19) VCF-style: chr2-96930953-A-G.
Other names: c.167T>C, p.Ile56Thr (NM_001193304.3); short protein forms I56T.
Identifiers: ClinVar variation 1777886 (VCV001777886.2), dbSNP rs1177862234, ClinGen allele CA347655980.

ClinVar aggregate classification (germline): Uncertain significance (1 of 4 stars; one submission).

Conditions:
Hereditary cancer-predisposing syndrome. Also called: Neoplastic Syndromes, Hereditary; Tumor predisposition; Hereditary Cancer Syndrome; Hereditary neoplastic syndrome. Identifiers: Orphanet 140162, MedGen C0027672, MeSH D009386, MONDO:0015356.

Submission:

Ambry Genetics
Classification: Uncertain significance for Hereditary cancer-predisposing syndrome. Last evaluated: 2022-03-04. Review status: criteria provided, single submitter. Criteria: Ambry Variant Classification Scheme 2023. Collection method: clinical testing. Allele origin: germline.
Comment: The p.I56T variant (also known as c.167T>C), located in coding exon 1 of the TMEM127 gene, results from a T to C substitution at nucleotide position 167. The isoleucine at codon 56 is replaced by threonine, an amino acid with similar properties. This amino acid position is conserved. In addition, the in silico prediction for this alteration is inconclusive. Since supporting evidence is limited at this time, the clinical significance of this alteration remains unclear.